The following is an entry in ClinVar:

ClinVar aggregate classification (germline): Likely benign. Review status: criteria provided, multiple submitters, no conflicts (2 of 4 stars). 2 submissions from 2 submitters: Likely benign (2). Last evaluated 2024-11-02.

Conditions:
Oligodontia-cancer predisposition syndrome. Also called: TOOTH AGENESIS-COLORECTAL CANCER SYNDROME. Identifiers: Orphanet 300576, MedGen C1837750, MONDO:0012075, OMIM 608615. Disease mechanism: loss of function.

Submissions (2):

Labcorp Genetics (formerly Invitae), Labcorp
Classification: Likely benign for Oligodontia-cancer predisposition syndrome. Last evaluated: 2024-11-02. Review status: criteria provided, single submitter. Criteria: Invitae Variant Classification Sherloc (09022015). Collection method: clinical testing. Allele origin: germline.

Myriad Genetics, Inc.
Classification: Likely benign for Oligodontia-cancer predisposition syndrome. Last evaluated: 2024-07-08. Review status: criteria provided, single submitter. Criteria: Myriad Autosomal Dominant, Autosomal Recessive and X-Linked Classification Criteria (2023). Collection method: clinical testing. Allele origin: unknown.
Comment: This variant is considered likely benign. This variant is intronic and is not expected to impact mRNA splicing.

NM_004655.4(AXIN2):c.1907+10G>C

Gene: AXIN2 (axin 2; minus strand). Cytogenetic location: 17q24.1.
Variant type: single nucleotide variant.
Coding change: c.1907+10G>C on transcript NM_004655.4 (MANE Select); 10 bases into the intron after coding-DNA position 1907, G replaced by C.
Molecular consequence: intron variant.
Genome position (GRCh38, 1-based): chr17:65,536,859, C>G on the plus strand (G>C on the coding strand, the complement: AXIN2 is on the minus strand). VCF-style: chr17-65536859-C-G. GRCh37 (hg19) VCF-style: chr17-63532977-C-G.
Other names: c.1713-306G>C (NM_001363813.1).
Identifiers: ClinVar variation 796554 (VCV000796554.11), dbSNP rs749191651, ClinGen allele CA915952170.